The following is an entry in ClinVar:

ClinVar aggregate classification (germline): Likely benign. Review status: criteria provided, multiple submitters, no conflicts (2 of 4 stars). 3 submissions from 3 submitters: Likely benign (3). Last evaluated 2025-06-09.

Conditions:
Cardiovascular phenotype. Identifiers: MedGen CN230736.
Brugada syndrome. Also called: Sudden unexpected nocturnal death syndrome; Sudden Unexplained Death Syndrome; Sudden Unexplained Nocturnal Death Syndrome (SUNDS); Sudden unexplained nocturnal death syndrome. Identifiers: Orphanet 130, MedGen C1142166, MONDO:0015263.

Allele frequency attached by ClinVar (database versions not stated): gnomAD exomes 0.00001 and 0.00002; ExAC 0.00002; gnomAD 0.00002; TOPMed 0.00002.
gnomAD v4.1: 14 of 1,612,238 alleles (0.00087%); highest among the groups gnomAD compares: East Asian, 0.016%; no homozygotes.

Submissions (3):

Labcorp Genetics (formerly Invitae), Labcorp
Classification: Likely benign for Brugada syndrome. Last evaluated: 2025-06-09. Review status: criteria provided, single submitter. Criteria: Invitae Variant Classification Sherloc (09022015). Collection method: clinical testing. Allele origin: germline.

Ambry Genetics
Classification: Likely benign for Cardiovascular phenotype. Last evaluated: 2020-10-15. Review status: criteria provided, single submitter. Criteria: Ambry Variant Classification Scheme 2023. Collection method: clinical testing. Allele origin: germline.

GeneDx
Classification: Likely benign. Last evaluated: 2016-11-28. Review status: criteria provided, single submitter. Criteria: GeneDx Variant Classification (06012015). Collection method: clinical testing. Allele origin: germline. Affected: yes.
Comment: This variant is considered likely benign or benign based on one or more of the following criteria: it is a conservative change, it occurs at a poorly conserved position in the protein, it is predicted to be benign by multiple in silico algorithms, and/or has population frequency not consistent with disease.

NM_000722.4(CACNA2D1):c.2869C>T (p.Leu957=)

Gene: CACNA2D1 (calcium voltage-gated channel auxiliary subunit alpha2delta 1; minus strand). Cytogenetic location: 7q21.11.
Variant type: single nucleotide variant.
Coding change: c.2869C>T on transcript NM_000722.4 (MANE Select); coding-DNA position 2869, C replaced by T.
Protein change: p.Leu957=; no amino-acid change (leucine 957 retained).
Molecular consequence: synonymous variant.
Genome position (GRCh38, 1-based): chr7:81,961,991, G>A on the plus strand (C>T on the coding strand, the complement: CACNA2D1 is on the minus strand). VCF-style: chr7-81961991-G-A. GRCh37 (hg19) VCF-style: chr7-81591307-G-A.
Other names: c.2869C>T (LRG_437t1); c.2905C>T, p.Leu969= (NM_001366867.1).
Identifiers: ClinVar variation 391156 (VCV000391156.5), dbSNP rs767963200, ClinGen allele CA4317449.
Genomic context (GRCh38, chr7:81,961,991, plus strand): 5'-ATTTACTGTCGTTATCGAAGAAATACTGGGTTTGTTCAGTAATGCAGCTCTGCTTGGACA[G>A]GGAGGCCGTGAAGTCATCATCCTCCATCTCAACTTGGGTGGCGGGGGACGGTGTAAAAAC-3'
Protein context (NP_000713.2, residues 947-967): EMEDDDFTAS[Leu957=]SKQSCITEQT